The following is an entry in ClinVar:

ClinVar aggregate classification (germline): Uncertain significance (1 of 4 stars; one submission).

Conditions:
Inborn genetic diseases. Identifiers: MedGen C0950123, MeSH D030342.

Allele frequency attached by ClinVar (database versions not stated): gnomAD exomes below 0.00001; gnomAD 0.00001.

Submission:

Ambry Genetics
Classification: Uncertain significance for Inborn genetic diseases. Last evaluated: 2018-04-12. Review status: criteria provided, single submitter. Criteria: Ambry Variant Classification Scheme 2023. Collection method: clinical testing. Allele origin: germline.
Comment: The p.Q153K variant (also known as c.457C>A), located in coding exon 4 of the CTSD gene, results from a C to A substitution at nucleotide position 457. The glutamine at codon 153 is replaced by lysine, an amino acid with similar properties. This amino acid position is well conserved in available vertebrate species; however, lysine is the reference amino acid in other vertebrate species. In addition, this alteration is predicted to be tolerated by in silico analysis. Since supporting evidence is limited at this time, the clinical significance of this alteration remains unclear.

NM_001909.5(CTSD):c.457C>A (p.Gln153Lys)

Gene: CTSD (cathepsin D; minus strand). Cytogenetic location: 11p15.5.
Variant type: single nucleotide variant.
Coding change: c.457C>A on transcript NM_001909.5 (MANE Select); coding-DNA position 457, C replaced by A.
Protein change: p.Gln153Lys; replaces glutamine 153 with lysine.
Molecular consequence: missense variant.
Genome position (GRCh38, 1-based): chr11:1,758,983, G>T on the plus strand (C>A on the coding strand, the complement: CTSD is on the minus strand). VCF-style: chr11-1758983-G-T. GRCh37 (hg19) VCF-style: chr11-1780213-G-T.
Other names: short protein forms Q153K.
Identifiers: ClinVar variation 1741616 (VCV001741616.2), dbSNP rs1845841728, ClinGen allele CA379097227.